The following is an entry in ClinVar:

ClinVar aggregate classification (germline): Benign/Likely benign. Review status: criteria provided, multiple submitters, no conflicts (2 of 4 stars). 4 submissions from 4 submitters: Benign (2); Likely benign (2). Last evaluated 2025-12-30.

Conditions:
Inborn genetic diseases. Identifiers: MedGen C0950123, MeSH D030342.

Allele frequency attached by ClinVar (database versions not stated): 1000 Genomes Project 0.00020; ESP Exome Variant Server 0.00023; 1000 Genomes Project 30x 0.00031.
gnomAD v4.1: 316 of 1,614,126 alleles (0.02%); highest among the groups gnomAD compares: South Asian, 0.099%; 2 homozygotes.

Submissions (4):

Labcorp Genetics (formerly Invitae), Labcorp
Classification: Benign. Last evaluated: 2025-12-30. Review status: criteria provided, single submitter. Criteria: Invitae Variant Classification Sherloc (09022015). Collection method: clinical testing. Allele origin: germline.

CeGaT Center for Human Genetics Tuebingen
Classification: Likely benign. Last evaluated: 2024-08-01. Review status: criteria provided, single submitter. Criteria: CeGaT Center For Human Genetics Tuebingen Variant Classification Criteria Version 2. Collection method: clinical testing. Allele origin: germline. Affected: yes. Observed: 1 variant allele.
Comment: KAT6A: BP4, BP7

GeneDx
Classification: Benign. Last evaluated: 2020-09-28. Review status: criteria provided, single submitter. Criteria: GeneDx Variant Classification Process June 2021. Collection method: clinical testing. Allele origin: germline. Affected: yes.

Ambry Genetics
Classification: Likely benign for Inborn genetic diseases. Last evaluated: 2018-03-21. Review status: criteria provided, single submitter. Criteria: Ambry Variant Classification Scheme 2023. Collection method: clinical testing. Allele origin: germline.

NM_006766.5(KAT6A):c.3576C>T (p.Ile1192=)

Gene: KAT6A (lysine acetyltransferase 6A; minus strand). Cytogenetic location: 8p11.21.
Variant type: single nucleotide variant.
Coding change: c.3576C>T on transcript NM_006766.5 (MANE Select); coding-DNA position 3576, C replaced by T.
Protein change: p.Ile1192=; no amino-acid change (isoleucine 1192 retained).
Molecular consequence: synonymous variant.
Genome position (GRCh38, 1-based): chr8:41,934,644, G>A on the plus strand (C>T on the coding strand, the complement: KAT6A is on the minus strand). VCF-style: chr8-41934644-G-A. GRCh37 (hg19) VCF-style: chr8-41792162-G-A.
Identifiers: ClinVar variation 1273565 (VCV001273565.24), dbSNP rs61753682, ClinGen allele CA4729654.
Genomic context (GRCh38, chr8:41,934,644, plus strand): 5'-CTCAACAGTTTCTTCACTCTCCTGGATCTTGGGTTTACGTCCAGCTTTAGGAATGGAAAC[G>A]ATGGGCTCAATGACGCATGCTTGAGTAGAAACTGGCATGATTTCCCGACTCAACTTAAAT-3'
Protein context (NP_006757.2, residues 1182-1202): VSTQACVIEP[Ile1192=]VSIPKAGRKP